The following is an entry in ClinVar:

ClinVar aggregate classification (germline): Uncertain significance (1 of 4 stars; one submission).

Allele frequency attached by ClinVar (database versions not stated): gnomAD 0.00007; ExAC 0.00008; TOPMed 0.00010; gnomAD exomes 0.00011; ESP Exome Variant Server 0.00015.
gnomAD v4.1: 176 of 1,613,216 alleles (0.011%); highest among the groups gnomAD compares: Non-Finnish European, 0.014%; no homozygotes.

Submission:

Labcorp Genetics (formerly Invitae), Labcorp
Classification: Uncertain significance. Last evaluated: 2024-05-09. Review status: criteria provided, single submitter. Criteria: Invitae Variant Classification Sherloc (09022015). Collection method: clinical testing. Allele origin: germline.
Comment: This sequence change replaces serine, which is neutral and polar, with leucine, which is neutral and non-polar, at codon 308 of the BRD4 protein (p.Ser308Leu). This variant is present in population databases (rs137899234, gnomAD 0.01%). This variant has not been reported in the literature in individuals affected with BRD4-related conditions. Algorithms developed to predict the effect of missense changes on protein structure and function output the following: SIFT: "Not Available"; PolyPhen-2: "Benign"; Align-GVGD: "Not Available". The leucine amino acid residue is found in multiple mammalian species, which suggests that this missense change does not adversely affect protein function. In summary, the available evidence is currently insufficient to determine the role of this variant in disease. Therefore, it has been classified as a Variant of Uncertain Significance.

NM_001379291.1(BRD4):c.923C>T (p.Ser308Leu)

Gene: BRD4 (bromodomain containing 4; minus strand). Cytogenetic location: 19p13.12.
Variant type: single nucleotide variant.
Coding change: c.923C>T on transcript NM_001379291.1 (MANE Select); coding-DNA position 923, C replaced by T.
Protein change: p.Ser308Leu; replaces serine 308 with leucine.
Molecular consequence: missense variant.
Genome position (GRCh38, 1-based): chr19:15,264,693, G>A on the plus strand (C>T on the coding strand, the complement: BRD4 is on the minus strand). VCF-style: chr19-15264693-G-A. GRCh37 (hg19) VCF-style: chr19-15375504-G-A.
Other names: c.923C>T, p.Ser308Leu (NM_001330384.2, NM_001379292.1, NM_014299.3 and 1 more transcripts); short protein forms S308L.
Identifiers: ClinVar variation 2891987 (VCV002891987.3), dbSNP rs137899234, ClinGen allele CA9265492.